The following is an entry in ClinVar:

NM_001061.7(TBXAS1):c.950_951del (p.His317fs)

Gene: TBXAS1 (thromboxane A synthase 1; plus strand). Cytogenetic location: 7q34.
Variant type: Microsatellite.
Coding change: c.950_951del on transcript NM_001061.7 (MANE Select); coding-DNA positions 950 to 951, 2 bases deleted (AC; older notation c.950_951delAC).
Protein change: p.His317fs; shifts the reading frame from histidine 317.
Molecular consequence: frameshift variant.
Genome position (GRCh38, 1-based): chr7:139,962,049-139,962,050, AC deleted; deleting any 2 consecutive bases within chr7:139,962,047-139,962,050 gives the same sequence; the c. name uses the placement nearest the transcript's 3' end. VCF-style (leftmost placement, unchanged base first): chr7-139962046-AAC-A. GRCh37 (hg19) VCF-style: chr7-139661845-AAC-A.
Other names: c.950_951del, p.His317fs (NM_030984.6, NM_001130966.5); c.1088_1089del, p.His363fs (NM_001166253.4); c.749_750del, p.His250fs (NM_001166254.4); c.893_894del, p.His298fs (NM_001314028.4); c.767_768del, p.His256fs (NM_001366537.3); short protein forms H250fs, H317fs, H256fs, H298fs, H363fs.
Identifiers: ClinVar variation 2896668 (VCV002896668.2), dbSNP rs749789077, ClinGen allele CA4511855.

ClinVar aggregate classification (germline): Pathogenic (1 of 4 stars; one submission).

Submission:

Labcorp Genetics (formerly Invitae), Labcorp
Classification: Pathogenic. Last evaluated: 2024-01-02. Review status: criteria provided, single submitter. Criteria: Invitae Variant Classification Sherloc (09022015). Collection method: clinical testing. Allele origin: germline.
Comment: This sequence change creates a premature translational stop signal (p.His318Profs*13) in the TBXAS1 gene. It is expected to result in an absent or disrupted protein product. Loss-of-function variants in TBXAS1 are known to be pathogenic (PMID: 22735388). This variant is present in population databases (rs749789077, gnomAD 0.02%). This variant has not been reported in the literature in individuals affected with TBXAS1-related conditions. For these reasons, this variant has been classified as Pathogenic.

Literature cited by the submitters: PubMed 22735388.